The following is an entry in ClinVar:

ClinVar aggregate classification (germline): Uncertain significance. Review status: criteria provided, multiple submitters, no conflicts (2 of 4 stars). 4 submissions from 4 submitters: Uncertain significance (4). Last evaluated 2024-12-31.

Conditions:
CYP21A2-related disorder. Also called: CYP21A2-related condition.

Allele frequency attached by ClinVar (database versions not stated): 1000 Genomes Project 30x 0.00016; 1000 Genomes Project 0.00020; gnomAD 0.00046 and 0.00047; TOPMed 0.00046; gnomAD exomes 0.00055; ExAC 0.00111.
gnomAD v4.1: 810 of 1,591,562 alleles (0.051%); highest among the groups gnomAD compares: Non-Finnish European, 0.063%; 2 homozygotes.

Submissions (4):

PreventionGenetics, part of Exact Sciences
Classification: Uncertain significance for CYP21A2-related condition. Last evaluated: 2024-12-31. Review status: criteria provided, single submitter. Criteria: ACMG Guidelines, 2015. Collection method: clinical testing. Allele origin: germline.
Comment: The CYP21A2 c.69G>T variant is predicted to result in the amino acid substitution p.Trp23Cys. To our knowledge, this variant has not been reported in the literature. This variant is reported in 0.089% of alleles in individuals of European (Non-Finnish) descent in gnomAD with one homozygote (gnomAD v2.1.1). This variant falls within a highly paralogous region. Allele frequency data should be interpreted with caution. Although we suspect that this variant may be benign, at this time, the clinical significance of this variant is uncertain due to the absence of conclusive functional and genetic evidence.

Blueprint Genetics
Classification: Uncertain significance. Last evaluated: 2024-09-11. Review status: criteria provided, single submitter. Criteria: ACMG Guidelines, 2015. Collection method: clinical testing. Allele origin: germline.

Quest Diagnostics Nichols Institute San Juan Capistrano
Classification: Uncertain significance. Last evaluated: 2024-08-14. Review status: criteria provided, single submitter. Criteria: Quest Diagnostics criteria. Collection method: clinical testing. Allele origin: unknown.

Genetic Services Laboratory, University of Chicago
Classification: Uncertain significance. Last evaluated: 2016-04-19. Review status: criteria provided, single submitter. Criteria: ACMG Guidelines, 2015. Collection method: clinical testing. Allele origin: germline. Affected: no.

Literature cited by the submitters: PubMed 18478071 (cited by Quest Diagnostics Nichols Institute San Juan Capistrano).

NM_000500.9(CYP21A2):c.69G>T (p.Trp23Cys)

Genes: CYP21A2 (cytochrome P450 family 21 subfamily A member 2; plus strand), LOC106780800 (CYP21A2 recombination region; plus strand). Cytogenetic location: 6p21.33.
Variant type: single nucleotide variant.
Coding change: c.69G>T on transcript NM_000500.9 (MANE Select); coding-DNA position 69, G replaced by T.
Protein change: p.Trp23Cys; replaces tryptophan 23 with cysteine.
Molecular consequence: missense variant. On other transcripts: 5 prime UTR variant (2).
Genome position (GRCh38, 1-based): chr6:32,038,491, G>T. VCF-style: chr6-32038491-G-T. GRCh37 (hg19) VCF-style: chr6-32006268-G-T.
Other names: c.69G>T, p.Trp23Cys (NM_001128590.4); c.-356G>T (NM_001368143.2); c.-266G>T (NM_001368144.2); short protein forms W23C.
Identifiers: ClinVar variation 434880 (VCV000434880.9), dbSNP rs72552744, ClinGen allele CA3732269.